The following is an entry in ClinVar:

NM_000245.4(MET):c.2434C>G (p.Gln812Glu)

Gene: MET (MET proto-oncogene, receptor tyrosine kinase; plus strand). Cytogenetic location: 7q31.2.
Variant type: single nucleotide variant.
Coding change: c.2434C>G on transcript NM_000245.4 (MANE Select); coding-DNA position 2434, C replaced by G.
Protein change: p.Gln812Glu; replaces glutamine 812 with glutamic acid.
Molecular consequence: missense variant.
Genome position (GRCh38, 1-based): chr7:116,763,119, C>G. VCF-style: chr7-116763119-C-G. GRCh37 (hg19) VCF-style: chr7-116403173-C-G.
Other names: c.2488C>G, p.Gln830Glu (NM_001127500.3); c.2434C>G, p.Gln812Glu (NM_001324401.3); c.1144C>G, p.Gln382Glu (NM_001324402.2); short protein forms Q830E, Q382E, Q812E.
Identifiers: ClinVar variation 93570 (VCV000093570.27), dbSNP rs398123568, ClinGen allele CA221500.

ClinVar aggregate classification (germline): Conflicting classifications of pathogenicity. Review status: criteria provided, conflicting classifications (1 of 4 stars). 6 submissions from 6 submitters: Uncertain significance (4); Benign (1); Likely benign (1). Last evaluated 2026-01-05.

Conditions:
Renal cell carcinoma. Identifiers: Orphanet 217071, MedGen C0007134, MeSH D002292, MONDO:0005086, HP:0005584.
Hereditary cancer-predisposing syndrome. Also called: Tumor predisposition; Neoplastic Syndromes, Hereditary; Hereditary neoplastic syndrome; Hereditary Cancer Syndrome. Identifiers: Orphanet 140162, MedGen C0027672, MeSH D009386, MONDO:0015356.

Allele frequency attached by ClinVar (database versions not stated): gnomAD below 0.00001 and 0.00003; gnomAD exomes 0.00014 and 0.00007; TOPMed 0.00001; 1000 Genomes Project 30x 0.00016; ExAC 0.00014; 1000 Genomes Project 0.00020.
gnomAD v4.1: 109 of 1,614,038 alleles (0.0068%); highest among the groups gnomAD compares: South Asian, 0.11%; 2 homozygotes.

Submissions (6):

Labcorp Genetics (formerly Invitae), Labcorp
Classification: Likely benign for Renal cell carcinoma. Last evaluated: 2026-01-05. Review status: criteria provided, single submitter. Criteria: Invitae Variant Classification Sherloc (09022015). Collection method: clinical testing. Allele origin: germline.

Center for Genomic Medicine, Rigshospitalet, Copenhagen University Hospital
Classification: Uncertain significance. Last evaluated: 2025-03-04. Review status: criteria provided, single submitter. Criteria: ACMG Guidelines, 2015. Collection method: clinical testing. Allele origin: germline.

Ambry Genetics
Classification: Benign for Hereditary cancer-predisposing syndrome. Last evaluated: 2023-02-07. Review status: criteria provided, single submitter. Criteria: Ambry Variant Classification Scheme 2023. Collection method: clinical testing. Allele origin: germline.

GeneDx
Classification: Uncertain significance. Last evaluated: 2022-03-10. Review status: criteria provided, single submitter. Criteria: GeneDx Variant Classification Process June 2021. Collection method: clinical testing. Allele origin: germline. Affected: yes.
Comment: In silico analysis supports that this missense variant does not alter protein structure/function; Has not been previously published as pathogenic or benign to our knowledge

Sema4
Classification: Uncertain significance for Hereditary cancer-predisposing syndrome. Last evaluated: 2021-05-18. Review status: criteria provided, single submitter. Criteria: Sema4 Curation Guidelines. Collection method: curation. Allele origin: germline.
Comment: The MET c.2488C>G (p.Q830E) variant has not been reported in the literature to our knowledge. It was observed in 31/30602 chromosomes of the South Asian subpopulation, with no homozygotes, in the Genome Aggregation Database (PMID: 32461654). The variant has been reported in ClinVar (Variation ID 93570). In silico tools suggest the impact of the variant on protein function is inconclusive, though these predictions have not been confirmed by functional studies. The evidence is insufficient to meet ACMG/AMP criteria for classifying the variant as benign or pathogenic. Thus, the clinical significance of this variant is currently uncertain.

Eurofins Ntd Llc (ga)
Classification: Uncertain significance. Last evaluated: 2013-03-14. Review status: criteria provided, single submitter. Criteria: EGL Classification Definitions 2015. Collection method: clinical testing. Allele origin: germline. Observed: 1 variant allele, 1 heterozygote.